The following is an entry in ClinVar:

ClinVar aggregate classification (germline): Uncertain significance (1 of 4 stars; one submission).

Conditions:
Primary ciliary dyskinesia. Also called: Ciliary dyskinesia. Identifiers: Orphanet 244, MedGen C0008780, MONDO:0016575, HP:0012265.

Submission:

Ambry Genetics
Classification: Uncertain significance for Primary ciliary dyskinesia. Last evaluated: 2026-03-21. Review status: criteria provided, single submitter. Criteria: Ambry Variant Classification Scheme 2023. Collection method: clinical testing. Allele origin: germline.
Comment: The p.L2042V variant (also known as c.6124C>G), located in coding exon 37 of the DNAH5 gene, results from a C to G substitution at nucleotide position 6124. The leucine at codon 2042 is replaced by valine, an amino acid with highly similar properties. This amino acid position is conserved. In addition, the in silico prediction for this alteration is inconclusive. Based on the available evidence, the clinical significance of this variant remains unclear.

NM_001369.3(DNAH5):c.6124C>G (p.Leu2042Val)

Gene: DNAH5 (dynein axonemal heavy chain 5; minus strand). Cytogenetic location: 5p15.2.
Variant type: single nucleotide variant.
Coding change: c.6124C>G on transcript NM_001369.3 (MANE Select); coding-DNA position 6124, C replaced by G.
Protein change: p.Leu2042Val; replaces leucine 2042 with valine.
Molecular consequence: missense variant.
Genome position (GRCh38, 1-based): chr5:13,830,151, G>C on the plus strand (C>G on the coding strand, the complement: DNAH5 is on the minus strand). VCF-style: chr5-13830151-G-C. GRCh37 (hg19) VCF-style: chr5-13830260-G-C.
Other names: short protein forms L2042V.
Identifiers: ClinVar variation 4869955 (VCV004869955.1).